The following is an entry in ClinVar:

NM_000257.4(MYH7):c.5221del (p.Val1741fs)

Genes: MYH7 (myosin heavy chain 7; minus strand), LOC126861897 (BRD4-independent group 4 enhancer GRCh37_chr14:23884455-23885654; plus strand). Cytogenetic location: 14q11.2.
Variant type: Deletion.
Coding change: c.5221del on transcript NM_000257.4 (MANE Select); coding-DNA position 5221, one base deleted (G; older notation c.5221delG).
Protein change: p.Val1741fs; shifts the reading frame from valine 1741.
Molecular consequence: frameshift variant.
Genome position (GRCh38, 1-based): chr14:23,415,443, C deleted on the plus strand (G on the coding strand, the reverse complement: MYH7 is on the minus strand). VCF-style (leftmost placement, unchanged base first): chr14-23415442-AC-A. GRCh37 (hg19) VCF-style: chr14-23884651-AC-A.
Other names: c.5221delG (NM_000257.4); short protein forms V1741fs.
Identifiers: ClinVar variation 1331928 (VCV001331928.4), dbSNP rs1440353909, ClinGen allele CA704283056.

ClinVar aggregate classification (germline): Uncertain significance. Review status: criteria provided, multiple submitters, no conflicts (2 of 4 stars). 2 submissions from 2 submitters: Uncertain significance (2). Last evaluated 2025-06-24.

Conditions:
Cardiovascular phenotype. Identifiers: MedGen CN230736.
Cardiomyopathy (CMYO). Also called: Cardiomyopathies. Identifiers: Orphanet 167848, MedGen C0878544, MONDO:0004994, HP:0001638. Inheritance: Various modes of inheritance.

Allele frequency attached by ClinVar (database versions not stated): gnomAD 0.00001; gnomAD exomes 0.00001; TOPMed 0.00001.

Submissions (2):

Color Diagnostics, LLC DBA Color Health
Classification: Uncertain significance for Cardiomyopathy. Last evaluated: 2025-06-24. Review status: criteria provided, single submitter. Criteria: ACMG Guidelines, 2015. Collection method: clinical testing. Allele origin: germline.
Comment: This variant deletes 1 nucleotide in exon 36 of the MYH7 gene, creating a frameshift and premature translation stop signal. This variant is expected to result in an absent or non-functional protein product. To our knowledge, this variant has not been reported in individuals affected with MYH7-related disorders in the literature. This variant has not been identified in the general population by the Genome Aggregation Database (gnomAD). Clinical relevance of loss-of-function MYH7 truncation variants in autosomal dominant cardiovascular disorders is not clearly established. The available evidence is insufficient to determine the role of this variant in disease conclusively. Therefore, this variant is classified as a Variant of Uncertain Significance.

Ambry Genetics
Classification: Uncertain significance for Cardiovascular phenotype. Last evaluated: 2025-01-30. Review status: criteria provided, single submitter. Criteria: Ambry Variant Classification Scheme 2023. Collection method: clinical testing. Allele origin: germline.
Comment: The c.5221delG variant, located in coding exon 34 of the MYH7 gene, results from a deletion of one nucleotide at nucleotide position 5221, causing a translational frameshift with a predicted alternate stop codon (p.V1741Wfs*24). This variant has been reported in a biobank cohort (Park J et al. Hum Mol Genet, 2022 Mar;31:827-837). This alteration is expected to result in protein truncation or nonsense-mediated mRNA decay. However, loss of function of MYH7 has not been established as a mechanism of disease. Based on the available evidence, the clinical significance of this alteration remains unclear.

Literature cited by the submitters: PubMed 34542152 (cited by Ambry Genetics).